The following is an entry in ClinVar:

ClinVar aggregate classification (germline): Conflicting classifications of pathogenicity. Review status: criteria provided, conflicting classifications (1 of 4 stars). 13 submissions from 13 submitters: Uncertain significance (8); Benign (1); Likely benign (3). 1 of the submissions does not count toward it. Last evaluated 2026-05-18.

Conditions:
Hereditary cancer-predisposing syndrome. Also called: Hereditary Cancer Syndrome; Hereditary neoplastic syndrome; Tumor predisposition; Neoplastic Syndromes, Hereditary. Identifiers: Orphanet 140162, MedGen C0027672, MeSH D009386, MONDO:0015356.
Hereditary breast ovarian cancer syndrome. Also called: Hereditary breast and ovarian cancer syndrome; Hereditary breast and ovarian cancer syndrome (HBOC); BRCA1- and BRCA2-Associated Hereditary Breast and Ovarian Cancer; Breast and ovarian cancer; Hereditary breast and ovarian cancer; Hereditary breast and/or ovarian cancer syndrome. Identifiers: Orphanet 145, MedGen C0677776, MeSH D061325, MONDO:0003582. Disease mechanism: loss of function.
Familial cancer of breast. Also called: BREAST CANCER, FAMILIAL; Hereditary breast cancer; hereditary breast carcinoma. Identifiers: Orphanet 227535, MedGen C0346153, MONDO:0016419, OMIM 114480. Disease mechanism: loss of function.
Pancreatic cancer, susceptibility to, 4. Identifiers: Orphanet 1333, MedGen C3280442, MONDO:0013685, OMIM 614320.
Breast-ovarian cancer, familial, susceptibility to, 1 (BROVCA1). Also called: OVARIAN CANCER, SUSCEPTIBILITY TO; BRCA1 Hereditary Breast and Ovarian Cancer. Identifiers: Orphanet 145, MedGen C2676676, MONDO:0011450, OMIM 604370. Disease mechanism: loss of function.
Fanconi anemia, complementation group S (FANCS). Identifiers: MedGen C4554406, MONDO:0054748, OMIM 617883.
BRCA1-related cancer predisposition. Identifiers: MedGen CN377757, MONDO:0700268.

Allele frequency attached by ClinVar (database versions not stated): gnomAD exomes below 0.00001 and 0.00001; gnomAD 0.00002; TOPMed 0.00002.
gnomAD v4.1: 23 of 1,614,088 alleles (0.0014%); highest among the groups gnomAD compares: Non-Finnish European, 0.0019%; no homozygotes.

Submissions 1 to 8 of 13:

Women's Health and Genetics/Laboratory Corporation of America, LabCorp
Classification: Likely benign. Last evaluated: 2026-05-18. Review status: criteria provided, single submitter. Criteria: LabCorp Variant Classification Summary - May 2015. Collection method: clinical testing. Allele origin: germline.
Comment: Variant summary: BRCA1 c.1259A>G (p.Asp420Gly) results in a non-conservative amino acid change in the encoded protein sequence. Algorithms developed to predict the effect of missense changes on protein structure and function are either unavailable or do not agree on the potential impact of this missense change. The variant allele was found at a frequency of 4e-06 in 250816 control chromosomes. The available data on variant occurrences in the general population are insufficient to allow any conclusion about variant significance. c.1259A>G has been reported in the literature in individuals affected with breast cancer or ovarian cancer (example, Laitman_2011, Chen_2020, Alenezi_2023). These report(s) do not provide unequivocal conclusions about association of the variant with Hereditary Breast And Ovarian Cancer Syndrome. At-least one co-occurrence with another pathogenic variant(s) has been observed at our laboratory (BRCA1 c.241C>T, p.Gln81*, internal data), providing evidence for a benign role. To our knowledge, no experimental evidence demonstrating an impact on protein function has been reported. The following publications have been ascertained in the context of this evaluation (PMID: 32195105, 20960228, 36969007). ClinVar contains an entry for this variant (Variation ID: 182076). Based on the evidence outlined above, the variant was classified as likely benign.

Labcorp Genetics (formerly Invitae), Labcorp
Classification: Benign for Hereditary breast ovarian cancer syndrome. Last evaluated: 2026-01-28. Review status: criteria provided, single submitter. Criteria: Invitae Variant Classification Sherloc (09022015). Collection method: clinical testing. Allele origin: germline.

Color Diagnostics, LLC DBA Color Health
Classification: Uncertain significance for Hereditary cancer-predisposing syndrome. Last evaluated: 2025-07-21. Review status: criteria provided, single submitter. Criteria: ACMG Guidelines, 2015. Collection method: clinical testing. Allele origin: germline.
Comment: This missense variant replaces aspartic acid with glycine at codon 420 of the BRCA1 protein. Computational prediction is inconclusive regarding the impact of this variant on protein structure and function. To our knowledge, functional studies have not been reported for this variant. This variant has been reported in an individual affected with early onset breast cancer (doi: 10.5505/aot.2021.25348). This variant has been identified in 1/250816 chromosomes in the general population by the Genome Aggregation Database (gnomAD). The available evidence is insufficient to determine the role of this variant in disease conclusively. Therefore, this variant is classified as a Variant of Uncertain Significance.

Quest Diagnostics Nichols Institute San Juan Capistrano
Classification: Uncertain significance. Last evaluated: 2025-04-10. Review status: criteria provided, single submitter. Criteria: Quest Diagnostics criteria. Collection method: clinical testing. Allele origin: unknown.
Comment: The BRCA1 c.1259A>G (p.Asp420Gly) variant has been reported in the published literature in individuals with breast and/or ovarian cancer (PMID: 32438681 (2020), 33471991 (2021), see also LOVD) and pancreatic cancer (PMID: 32980694 (2020)). This variant has also been identified in a reportedly unaffected individual (PMID: 33471991 (2021), see also LOVD) and reported to be located in a region of the BRCA1 gene that is tolerant to missense sequence changes (PMID: 31911673 (2020)). The frequency of this variant in the general population (Genome Aggregation Database) is uninformative in the assessment of its pathogenicity. Analysis of this variant using bioinformatics tools for the prediction of the effect of amino acid changes on protein structure and function yielded predictions that this variant is benign. Based on the available information, we are unable to determine the clinical significance of this variant.

Mayo Clinic Laboratories, Mayo Clinic
Classification: Likely benign. Last evaluated: 2024-12-31. Review status: criteria provided, single submitter. Criteria: ACMG Guidelines, 2015. Collection method: clinical testing. Allele origin: germline. Observed: 1 variant allele.
Comment: BP1_strong, BP5

All of Us Research Program, National Institutes of Health
Classification: Uncertain significance for BRCA1-related cancer predisposition. Last evaluated: 2024-06-11. Review status: criteria provided, single submitter. Criteria: ACMG Guidelines, 2015. Collection method: clinical testing. Allele origin: germline. Inheritance: Autosomal dominant inheritance. Observed: 2 variant alleles, 2 heterozygotes.
Comment: This missense variant replaces aspartic acid with glycine at codon 420 of the BRCA1 protein. Computational prediction is inconclusive regarding the impact of this variant on protein structure and function (internally defined REVEL score threshold 0.5 < inconclusive < 0.7, PMID: 27666373). Splice site prediction tools suggest that this variant may not impact RNA splicing. To our knowledge, functional studies have not been performed for this variant. This variant has been reported in an individual affected with early onset breast cancer (doi: 10.5505/aot.2021.25348). This variant has been identified in 1/250816 chromosomes in the general population by the Genome Aggregation Database (gnomAD). The available evidence is insufficient to determine the role of this variant in disease conclusively. Therefore, this variant is classified as a Variant of Uncertain Significance.

This study involves interpretation of variants in research participants for the purpose of population health screening. Participant phenotype was not available at the time of variant classification. Additional details can be found in publication PMID: 35346344, PMCID: PMC8962531

Ambry Genetics
Classification: Uncertain significance for Hereditary cancer-predisposing syndrome. Last evaluated: 2024-03-22. Review status: criteria provided, single submitter. Criteria: Ambry Variant Classification Scheme 2023. Collection method: clinical testing. Allele origin: germline.
Comment: The p.D420G variant (also known as c.1259A>G), located in coding exon 9 of the BRCA1 gene, results from an A to G substitution at nucleotide position 1259. The aspartic acid at codon 420 is replaced by glycine, an amino acid with similar properties. This variant has been identified in an individual diagnosed with breast and/or ovarian cancer (Santonocito C et al. Cancers (Basel), 2020 May;12:). This variant was present in 2/1005 Japanese pancreatic cancer patients and in 0/23705 controls (Mizukami K et al. EBioMedicine, 2020 Oct;60:103033). This amino acid position is not well conserved in available vertebrate species. In addition, the in silico prediction for this alteration is inconclusive. Based on the available evidence, the clinical significance of this alteration remains unclear.

GeneDx
Classification: Uncertain significance. Last evaluated: 2024-02-12. Review status: criteria provided, single submitter. Criteria: GeneDx Variant Classification Process June 2021. Collection method: clinical testing. Allele origin: germline. Affected: yes.
Comment: Observed in individuals with breast or pancreatic cancer, but also in unaffected controls (PMID: 32980694, 33471991); Not observed at significant frequency in large population cohorts (gnomAD); In silico analysis supports that this missense variant has a deleterious effect on protein structure/function; Also known as 1378A>G; This variant is associated with the following publications: (PMID: 31851867, 32438681, 30122538, 32980694, 33471991, 32195105, 9582019, 9926942, 10426999, 15343273, 20215511, 29884841, 32377563, 20960228)

NM_007294.4(BRCA1):c.1259A>G (p.Asp420Gly)

Gene: BRCA1 (BRCA1 DNA repair associated; minus strand). Cytogenetic location: 17q21.31.
Variant type: single nucleotide variant.
Coding change: c.1259A>G on transcript NM_007294.4 (MANE Select); coding-DNA position 1259, A replaced by G.
Protein change: p.Asp420Gly; replaces aspartic acid 420 with glycine.
Molecular consequence: missense variant. On other transcripts: intron variant (137).
Genome position (GRCh38, 1-based): chr17:43,094,272, T>C on the plus strand (A>G on the coding strand, the complement: BRCA1 is on the minus strand). VCF-style: chr17-43094272-T-C. GRCh37 (hg19) VCF-style: chr17-41246289-T-C.
Other names: p.D420G:GAT>GGT; p.Asp420Gly; c.1046A>G, p.Asp349Gly (NM_001407571.1, NM_001407853.1, NM_001407895.1 and 9 more transcripts); c.1259A>G, p.Asp420Gly (NM_001407581.1, NM_001407582.1, NM_001407583.1 and 30 more transcripts); c.1256A>G, p.Asp419Gly (NM_001407587.1, NM_001407590.1, NM_001407591.1 and 22 more transcripts); c.1250A>G, p.Asp417Gly (NM_001407646.1, NM_001407647.1); c.1136A>G, p.Asp379Gly (NM_001407648.1, NM_001407665.1, NM_001407666.1 and 19 more transcripts); c.1133A>G, p.Asp378Gly (NM_001407649.1, NM_001407670.1, NM_001407671.1 and 11 more transcripts); and 42 more; short protein forms D420G, D373G, D124G, D332G, D372G, D417G, D419G, D309G.
Identifiers: ClinVar variation 182076 (VCV000182076.47), dbSNP rs730881442, ClinGen allele CA000831.
Genomic context (GRCh38, chr17:43,094,272, plus strand): 5'-AAAGCCTCATGAGGATCACTGGCCAGTAAGTCTATTTTCTCTGAAGAACCAGAATATTCA[T>C]CTACCTCATTTAGAACGTCCAATACATCAGCTACTTTGGCATTTGATTCAGACTCCCCAT-3'
Protein context (NP_009225.1, residues 410-430): ADVLDVLNEV[Asp420Gly]EYSGSSEKID